The following is an entry in ClinVar:

NM_032638.5(GATA2):c.1373C>T (p.Pro458Leu)

Gene: GATA2 (GATA binding protein 2; minus strand). Cytogenetic location: 3q21.3.
Variant type: single nucleotide variant.
Coding change: c.1373C>T on transcript NM_032638.5 (MANE Select); coding-DNA position 1373, C replaced by T.
Protein change: p.Pro458Leu; replaces proline 458 with leucine.
Molecular consequence: missense variant.
Genome position (GRCh38, 1-based): chr3:128,481,089, G>A on the plus strand (C>T on the coding strand, the complement: GATA2 is on the minus strand). VCF-style: chr3-128481089-G-A. GRCh37 (hg19) VCF-style: chr3-128199932-G-A.
Other names: c.1373C>T, p.Pro458Leu (NM_001145661.2); c.1331C>T, p.Pro444Leu (NM_001145662.1); short protein forms P458L, P444L.
Identifiers: ClinVar variation 1506852 (VCV001506852.7), dbSNP rs2107667728, ClinGen allele CA354412598.

ClinVar aggregate classification (germline): Uncertain significance. Review status: criteria provided, multiple submitters, no conflicts (2 of 4 stars). 2 submissions from 2 submitters: Uncertain significance (2). Last evaluated 2022-03-11.

Conditions:
Monocytopenia with susceptibility to infections. Also called: MONOCYTOPENIA AND MYCOBACTERIAL INFECTION SYNDROME; MONOCYTOPENIA WITH SUSCEPTIBILITY TO MYCOBACTERIAL, FUNGAL, AND PAPILLOMAVIRUS INFECTIONS AND MYELODYSPLASIA; COMBINED IMMUNODEFICIENCY WITH SUSCEPTIBILITY TO MYCOBACTERIAL, VIRAL, AND FUNGAL INFECTIONS; Dendritic cell, monocyte, B lymphocyte, and natural killer lymphocyte deficiency; IMMUNODEFICIENCY 21; GATA2 DEFICIENCY. Identifiers: Orphanet 228423, MedGen C3280030, MONDO:0013607, OMIM 614172.
Deafness-lymphedema-leukemia syndrome. Also called: Lymphedema, primary, with myelodysplasia; Emberger syndrome. Identifiers: Orphanet 3226, MedGen C3279664, MONDO:0013540, OMIM 614038.

Submissions (2):

Labcorp Genetics (formerly Invitae), Labcorp
Classification: Uncertain significance for Monocytopenia with susceptibility to infections; Deafness-lymphedema-leukemia syndrome. Last evaluated: 2022-03-11. Review status: criteria provided, single submitter. Criteria: Invitae Variant Classification Sherloc (09022015). Collection method: clinical testing. Allele origin: germline.
Comment: This variant has not been reported in the literature in individuals affected with GATA2-related conditions. This variant is not present in population databases (gnomAD no frequency). This sequence change replaces proline, which is neutral and non-polar, with leucine, which is neutral and non-polar, at codon 458 of the GATA2 protein (p.Pro458Leu). In summary, the available evidence is currently insufficient to determine the role of this variant in disease. Therefore, it has been classified as a Variant of Uncertain Significance. Algorithms developed to predict the effect of missense changes on protein structure and function are either unavailable or do not agree on the potential impact of this missense change (SIFT: "Deleterious"; PolyPhen-2: "Probably Damaging"; Align-GVGD: "Class C0").

Breakthrough Genomics
Classification: Uncertain significance. Review status: criteria provided, single submitter. Criteria: ACMG Guidelines, 2015. Collection method: not provided. Allele origin: germline. Inheritance: Autosomal dominant inheritance. Affected: yes.